The following is an entry in ClinVar:

ClinVar aggregate classification (germline): Conflicting classifications of pathogenicity. Review status: criteria provided, conflicting classifications (1 of 4 stars). 3 submissions from 3 submitters: Uncertain significance (2); Likely benign (1). Last evaluated 2023-12-17.

Conditions:
Vitamin B2 deficiency. Identifiers: MedGen C0035528.

Allele frequency attached by ClinVar (database versions not stated): ExAC 0.00006; gnomAD 0.00005 and 0.00006; gnomAD exomes 0.00006; TOPMed 0.00004; ESP Exome Variant Server 0.00008.
gnomAD v4.1: 118 of 1,614,100 alleles (0.0073%); highest among the groups gnomAD compares: South Asian, 0.011%; no homozygotes.

Submissions (3):

Ambry Genetics
Classification: Likely benign. Last evaluated: 2023-12-17. Review status: criteria provided, single submitter. Criteria: Ambry Variant Classification Scheme 2023. Collection method: clinical testing. Allele origin: germline.

Labcorp Genetics (formerly Invitae), Labcorp
Classification: Uncertain significance for Vitamin B2 deficiency. Last evaluated: 2022-10-19. Review status: criteria provided, single submitter. Criteria: Invitae Variant Classification Sherloc (09022015). Collection method: clinical testing. Allele origin: germline.
Comment: This sequence change replaces arginine, which is basic and polar, with glutamine, which is neutral and polar, at codon 212 of the SLC52A1 protein (p.Arg212Gln). This variant is present in population databases (rs377338075, gnomAD 0.03%). This variant has not been reported in the literature in individuals affected with SLC52A1-related conditions. ClinVar contains an entry for this variant (Variation ID: 1693692). Algorithms developed to predict the effect of missense changes on protein structure and function output the following: SIFT: "Tolerated"; PolyPhen-2: "Benign"; Align-GVGD: "Class C0". The glutamine amino acid residue is found in multiple mammalian species, which suggests that this missense change does not adversely affect protein function. In summary, the available evidence is currently insufficient to determine the role of this variant in disease. Therefore, it has been classified as a Variant of Uncertain Significance.

Mayo Clinic Laboratories, Mayo Clinic
Classification: Uncertain significance. Last evaluated: 2021-07-07. Review status: criteria provided, single submitter. Criteria: ACMG Guidelines, 2015. Collection method: clinical testing. Allele origin: germline.

NM_017986.4(SLC52A1):c.635G>A (p.Arg212Gln)

Gene: SLC52A1 (solute carrier family 52 member 1; minus strand). Cytogenetic location: 17p13.2.
Variant type: single nucleotide variant.
Coding change: c.635G>A on transcript NM_017986.4 (MANE Select); coding-DNA position 635, G replaced by A.
Protein change: p.Arg212Gln; replaces arginine 212 with glutamine.
Molecular consequence: missense variant.
Genome position (GRCh38, 1-based): chr17:5,033,854, C>T on the plus strand (G>A on the coding strand, the complement: SLC52A1 is on the minus strand). VCF-style: chr17-5033854-C-T. GRCh37 (hg19) VCF-style: chr17-4937149-C-T.
Other names: p.Arg212Gln; c.635G>A, p.Arg212Gln (NM_001104577.2); short protein forms R212Q.
Identifiers: ClinVar variation 1693692 (VCV001693692.10), dbSNP rs377338075, ClinGen allele CA8319738.